The following is an entry in ClinVar:

ClinVar aggregate classification (germline): Uncertain significance (1 of 4 stars; one submission).

Conditions:
MED13-related disorder. Also called: MED13-related condition.

Allele frequency attached by ClinVar (database versions not stated): ExAC 0.00001; gnomAD 0.00001; gnomAD exomes 0.00001.
gnomAD v4.1: 11 of 1,613,774 alleles (0.00068%); highest among the groups gnomAD compares: Non-Finnish European, 0.00085%; no homozygotes.

Submission:

PreventionGenetics, part of Exact Sciences
Classification: Uncertain significance for MED13-related condition. Last evaluated: 2023-01-26. Review status: criteria provided, single submitter. Criteria: ACMG Guidelines, 2015. Collection method: clinical testing. Allele origin: germline.
Comment: The MED13 c.4088A>G variant is predicted to result in the amino acid substitution p.Tyr1363Cys. To our knowledge, this variant has not been reported in the literature. This variant is reported in 0.0016% of alleles in individuals of European (Non-Finnish) descent in gnomAD. At this time, the clinical significance of this variant is uncertain due to the absence of conclusive functional and genetic evidence.

NM_005121.3(MED13):c.4088A>G (p.Tyr1363Cys)

Gene: MED13 (mediator complex subunit 13; minus strand). Cytogenetic location: 17q23.2.
Variant type: single nucleotide variant.
Coding change: c.4088A>G on transcript NM_005121.3 (MANE Select); coding-DNA position 4088, A replaced by G.
Protein change: p.Tyr1363Cys; replaces tyrosine 1363 with cysteine.
Molecular consequence: missense variant.
Genome position (GRCh38, 1-based): chr17:61,968,138, T>C on the plus strand (A>G on the coding strand, the complement: MED13 is on the minus strand). VCF-style: chr17-61968138-T-C. GRCh37 (hg19) VCF-style: chr17-60045499-T-C.
Other names: short protein forms Y1363C.
Identifiers: ClinVar variation 2629715 (VCV002629715.1), dbSNP rs764340739, ClinGen allele CA8692515.